The following is an entry in ClinVar:

NM_005477.3(HCN4):c.1805A>G (p.Asn602Ser)

Gene: HCN4 (hyperpolarization activated cyclic nucleotide gated potassium channel 4; minus strand). Cytogenetic location: 15q24.1.
Variant type: single nucleotide variant.
Coding change: c.1805A>G on transcript NM_005477.3 (MANE Select); coding-DNA position 1805, A replaced by G.
Protein change: p.Asn602Ser; replaces asparagine 602 with serine.
Molecular consequence: missense variant.
Genome position (GRCh38, 1-based): chr15:73,325,128, T>C on the plus strand (A>G on the coding strand, the complement: HCN4 is on the minus strand). VCF-style: chr15-73325128-T-C. GRCh37 (hg19) VCF-style: chr15-73617469-T-C.
Other names: short protein forms N602S.
Identifiers: ClinVar variation 1878808 (VCV001878808.6), dbSNP rs2549069983, ClinGen allele CA393090860.
Genomic context (GRCh38, chr15:73,325,128, plus strand): 5'-ATGTAGTCCCCAGGCTGGAAGACCTCGAAACGCAGCTTGGTCAGCATGGACGTCACGAAG[T>C]TGGGGTCCGCATTGGCAAACAGTGGCATGGAGGCCACCAGCTTCCGACAGTTAAAGTTGA-3'
Protein context (NP_005468.1, residues 592-612): SMPLFANADP[Asn602Ser]FVTSMLTKLR

ClinVar aggregate classification (germline): Uncertain significance. Review status: criteria provided, multiple submitters, no conflicts (2 of 4 stars). 2 submissions from 2 submitters: Uncertain significance (2). Last evaluated 2025-03-05.

Conditions:
Brugada syndrome 8 (BRGDA8). Identifiers: Orphanet 130, MedGen C2751083, MONDO:0013148, OMIM 613123.

Allele frequency attached by ClinVar (database versions not stated): gnomAD exomes below 0.00001.
gnomAD v4.1: 1 of 1,614,158 alleles (0.000062%); highest among the groups gnomAD compares: South Asian, 0.0011%; no homozygotes.

Submissions (2):

GeneDx
Classification: Uncertain significance. Last evaluated: 2025-03-05. Review status: criteria provided, single submitter. Criteria: GeneDx Variant Classification Process June 2021. Collection method: clinical testing. Allele origin: germline. Affected: yes.
Comment: Not observed at significant frequency in large population cohorts (gnomAD); In silico analysis supports that this missense variant has a deleterious effect on protein structure/function; Has not been previously published as pathogenic or benign to our knowledge

Labcorp Genetics (formerly Invitae), Labcorp
Classification: Uncertain significance for Brugada syndrome 8. Last evaluated: 2023-08-14. Review status: criteria provided, single submitter. Criteria: Invitae Variant Classification Sherloc (09022015). Collection method: clinical testing. Allele origin: germline.
Comment: This sequence change replaces asparagine, which is neutral and polar, with serine, which is neutral and polar, at codon 602 of the HCN4 protein (p.Asn602Ser). This variant is not present in population databases (gnomAD no frequency). This variant has not been reported in the literature in individuals affected with HCN4-related conditions. ClinVar contains an entry for this variant (Variation ID: 1878808). Advanced modeling of protein sequence and biophysical properties (such as structural, functional, and spatial information, amino acid conservation, physicochemical variation, residue mobility, and thermodynamic stability) performed at Invitae indicates that this missense variant is not expected to disrupt HCN4 protein function. In summary, the available evidence is currently insufficient to determine the role of this variant in disease. Therefore, it has been classified as a Variant of Uncertain Significance.